The following is an entry in ClinVar:

NM_000179.3(MSH6):c.1798A>T (p.Asn600Tyr)

Gene: MSH6 (mutS homolog 6; plus strand). Cytogenetic location: 2p16.3.
Variant type: single nucleotide variant.
Coding change: c.1798A>T on transcript NM_000179.3 (MANE Select); coding-DNA position 1798, A replaced by T.
Protein change: p.Asn600Tyr; replaces asparagine 600 with tyrosine.
Molecular consequence: missense variant. On other transcripts: non-coding transcript variant (4), intron variant (2).
Genome position (GRCh38, 1-based): chr2:47,799,781, A>T. VCF-style: chr2-47799781-A-T. GRCh37 (hg19) VCF-style: chr2-48026920-A-T.
Other names: c.1408A>T, p.Asn470Tyr (NM_001281492.2); c.892A>T, p.Asn298Tyr (NM_001281493.2, NM_001281494.2, NM_001406823.1 and 6 more transcripts); c.1894A>T, p.Asn632Tyr (NM_001406795.1, NM_001406802.1); c.1798A>T, p.Asn600Tyr (NM_001406796.1, NM_001406798.1, NM_001406800.1 and 3 more transcripts); c.1501A>T, p.Asn501Tyr (NM_001406797.1, NM_001406801.1, NM_001406805.1 and 10 more transcripts); c.1273A>T, p.Asn425Tyr (NM_001406799.1, NM_001406806.1, NM_001406807.1); c.1720A>T, p.Asn574Tyr (NM_001406804.1); c.1630A>T, p.Asn544Tyr (NM_001406826.1); and 3 more; short protein forms N470Y, N574Y, N632Y, N298Y, N600Y, N425Y, N501Y, N544Y.
Identifiers: ClinVar variation 2700981 (VCV002700981.3), dbSNP rs2104368290, ClinGen allele CA346749329.
Genomic context (GRCh38, chr2:47,799,781, plus strand): 5'-TCGAGATTTAGGACTCTAGTGGCACACTATCCCCCAGTACAAGTTTTATTTGAAAAAGGA[A>T]ATCTCTCAAAGGAAACTAAAACAATTCTAAAGAGTTCATTGTCCTGTTCTCTTCAGGAAG-3'
Protein context (NP_000170.1, residues 590-610): PPVQVLFEKG[Asn600Tyr]LSKETKTILK

ClinVar aggregate classification (germline): Uncertain significance (1 of 4 stars; one submission).

Conditions:
Hereditary nonpolyposis colorectal neoplasms. Identifiers: MedGen C0009405, MeSH D003123.

Submission:

Labcorp Genetics (formerly Invitae), Labcorp
Classification: Uncertain significance for Hereditary nonpolyposis colorectal neoplasms. Last evaluated: 2023-12-05. Review status: criteria provided, single submitter. Criteria: Invitae Variant Classification Sherloc (09022015). Collection method: clinical testing. Allele origin: germline.
Comment: This sequence change replaces asparagine, which is neutral and polar, with tyrosine, which is neutral and polar, at codon 600 of the MSH6 protein (p.Asn600Tyr). This variant is not present in population databases (gnomAD no frequency). This variant has not been reported in the literature in individuals affected with MSH6-related conditions. Advanced modeling of protein sequence and biophysical properties (such as structural, functional, and spatial information, amino acid conservation, physicochemical variation, residue mobility, and thermodynamic stability) has been performed at Invitae for this missense variant, however the output from this modeling did not meet the statistical confidence thresholds required to predict the impact of this variant on MSH6 protein function. In summary, the available evidence is currently insufficient to determine the role of this variant in disease. Therefore, it has been classified as a Variant of Uncertain Significance.